The following is an entry in ClinVar:

ClinVar aggregate classification (germline): Uncertain significance. Review status: criteria provided, multiple submitters, no conflicts (2 of 4 stars). 2 submissions from 2 submitters: Uncertain significance (2). Last evaluated 2025-12-22.

Conditions:
Hereditary cancer-predisposing syndrome. Also called: Neoplastic Syndromes, Hereditary; Hereditary Cancer Syndrome; Tumor predisposition; Hereditary neoplastic syndrome. Identifiers: Orphanet 140162, MedGen C0027672, MeSH D009386, MONDO:0015356.

Allele frequency attached by ClinVar (database versions not stated): gnomAD exomes below 0.00001.
gnomAD v4.1: 3 of 1,612,164 alleles (0.00019%); highest among the groups gnomAD compares: South Asian, 0.0033%; no homozygotes.

Submissions (2):

Labcorp Genetics (formerly Invitae), Labcorp
Classification: Uncertain significance. Last evaluated: 2025-12-22. Review status: criteria provided, single submitter. Criteria: Invitae Variant Classification Sherloc (09022015). Collection method: clinical testing. Allele origin: germline.
Comment: This sequence change replaces glycine, which is neutral and non-polar, with glutamic acid, which is acidic and polar, at codon 202 of the NTHL1 protein (p.Gly202Glu). This variant is not present in population databases (gnomAD no frequency). This variant has not been reported in the literature in individuals affected with NTHL1-related conditions. ClinVar contains an entry for this variant (Variation ID: 2446937). An algorithm developed to predict the effect of missense changes on protein structure and function (PolyPhen-2) suggests that this variant is likely to be disruptive. In summary, the available evidence is currently insufficient to determine the role of this variant in disease. Therefore, it has been classified as a Variant of Uncertain Significance.

Ambry Genetics
Classification: Uncertain significance for Hereditary cancer-predisposing syndrome. Last evaluated: 2022-12-01. Review status: criteria provided, single submitter. Criteria: Ambry Variant Classification Scheme 2023. Collection method: clinical testing. Allele origin: germline.
Comment: The p.G202E variant (also known as c.605G>A), located in coding exon 4 of the NTHL1 gene, results from a G to A substitution at nucleotide position 605. The glycine at codon 202 is replaced by glutamic acid, an amino acid with similar properties. This amino acid position is highly conserved in available vertebrate species. In addition, the in silico prediction for this alteration is inconclusive. Since supporting evidence is limited at this time, the clinical significance of this alteration remains unclear.

NM_002528.7(NTHL1):c.581G>A (p.Gly194Glu)

Gene: NTHL1 (nth like DNA glycosylase 1; minus strand). Cytogenetic location: 16p13.3.
Variant type: single nucleotide variant.
Coding change: c.581G>A on transcript NM_002528.7 (MANE Select); coding-DNA position 581, G replaced by A.
Protein change: p.Gly194Glu; replaces glycine 194 with glutamic acid.
Molecular consequence: missense variant.
Genome position (GRCh38, 1-based): chr16:2,043,671, C>T on the plus strand (G>A on the coding strand, the complement: NTHL1 is on the minus strand). VCF-style: chr16-2043671-C-T. GRCh37 (hg19) VCF-style: chr16-2093672-C-T.
Other names: c.410G>A, p.Gly137Glu (NM_001318193.2); c.251G>A, p.Gly84Glu (NM_001318194.2); short protein forms G84E, G137E, G194E.
Identifiers: ClinVar variation 2446937 (VCV002446937.3), dbSNP rs1271691259, ClinGen allele CA394291909.